The following is an entry in ClinVar:

ClinVar aggregate classification (germline): Uncertain significance (1 of 4 stars; one submission).

gnomAD v4.1: 4 of 1,527,716 alleles (0.00026%); highest among the groups gnomAD compares: Non-Finnish European, 0.00036%; no homozygotes.

Submission:

Labcorp Genetics (formerly Invitae), Labcorp
Classification: Uncertain significance. Last evaluated: 2024-03-27. Review status: criteria provided, single submitter. Criteria: Invitae Variant Classification Sherloc (09022015). Collection method: clinical testing. Allele origin: germline.
Comment: This sequence change replaces proline, which is neutral and non-polar, with serine, which is neutral and polar, at codon 78 of the POLR3F protein (p.Pro78Ser). This variant is not present in population databases (gnomAD no frequency). This variant has not been reported in the literature in individuals affected with POLR3F-related conditions. Experimental studies and prediction algorithms are not available or were not evaluated, and the functional significance of this variant is currently unknown. In summary, the available evidence is currently insufficient to determine the role of this variant in disease. Therefore, it has been classified as a Variant of Uncertain Significance.

NM_006466.4(POLR3F):c.355C>T (p.Pro119Ser)

Gene: POLR3F (RNA polymerase III subunit F; plus strand). Cytogenetic location: 20p11.23.
Variant type: single nucleotide variant.
Coding change: c.355C>T on transcript NM_006466.4 (MANE Select); coding-DNA position 355, C replaced by T.
Protein change: p.Pro119Ser; replaces proline 119 with serine.
Molecular consequence: missense variant. On other transcripts: non-coding transcript variant (1).
Genome position (GRCh38, 1-based): chr20:18,475,113, C>T. VCF-style: chr20-18475113-C-T. GRCh37 (hg19) VCF-style: chr20-18455757-C-T.
Other names: c.232C>T, p.Pro78Ser (NM_001282526.2); c.355C>T, p.Pro119Ser (NM_001410821.1); short protein forms P119S, P78S.
Identifiers: ClinVar variation 3676055 (VCV003676055.2).
Genomic context (GRCh38, chr20:18,475,113, plus strand): 5'-ATTTTACTTTACTTTCTTATAGGAATATGGAGCAGAGATATCCGCTATAAAAGTAATTTG[C>T]CATTAACAGAAATCAACAAAATTCTGAAGAATCTGGAAAGTAAAAAGCTTATCAAAGCTG-3'
Protein context (NP_006457.2, residues 109-129): SRDIRYKSNL[Pro119Ser]LTEINKILKN